The following is an entry in ClinVar:

NM_003051.4(SLC16A1):c.148A>G (p.Ile50Val)

Gene: SLC16A1 (solute carrier family 16 member 1; minus strand). Cytogenetic location: 1p13.2.
Variant type: single nucleotide variant.
Coding change: c.148A>G on transcript NM_003051.4 (MANE Select); coding-DNA position 148, A replaced by G.
Protein change: p.Ile50Val; replaces isoleucine 50 with valine.
Molecular consequence: missense variant.
Genome position (GRCh38, 1-based): chr1:112,929,161, T>C on the plus strand (A>G on the coding strand, the complement: SLC16A1 is on the minus strand). VCF-style: chr1-112929161-T-C. GRCh37 (hg19) VCF-style: chr1-113471783-T-C.
Other names: c.148A>G, p.Ile50Val (NM_001166496.2); short protein forms I50V.
Identifiers: ClinVar variation 4697140 (VCV004697140.1).
Genomic context (GRCh38, chr1:112,929,161, plus strand): 5'-ACATGACAGCCAACATTATGGAGGATATCCATGACACTTCGCTGGTGGTGGCATGGAATA[T>C]ACCTTCAATCTCTTTGAAGAAGACAGTAATTGATTTGGGAAATGCATAAGAGAAGCCGAT-3'
Protein context (NP_003042.3, residues 40-60): ITVFFKEIEG[Ile50Val]FHATTSEVSW

ClinVar aggregate classification (germline): Uncertain significance (1 of 4 stars; one submission).

gnomAD v4.1: 9 of 1,614,016 alleles (0.00056%); highest among the groups gnomAD compares: Non-Finnish European, 0.00076%; no homozygotes.

Submission:

Labcorp Genetics (formerly Invitae), Labcorp
Classification: Uncertain significance. Last evaluated: 2025-08-20. Review status: criteria provided, single submitter. Criteria: Invitae Variant Classification Sherloc (09022015). Collection method: clinical testing. Allele origin: germline.
Comment: This sequence change replaces isoleucine, which is neutral and non-polar, with valine, which is neutral and non-polar, at codon 50 of the SLC16A1 protein (p.Ile50Val). This variant is not present in population databases (gnomAD no frequency). This variant has not been reported in the literature in individuals affected with SLC16A1-related conditions. An algorithm developed to predict the effect of missense changes on protein structure and function (PolyPhen-2) suggests that this variant is likely to be tolerated. In summary, the available evidence is currently insufficient to determine the role of this variant in disease. Therefore, it has been classified as a Variant of Uncertain Significance.